The following is an entry in ClinVar:

NM_020937.4(FANCM):c.2064G>C (p.Trp688Cys)

Gene: FANCM (FA complementation group M; plus strand). Cytogenetic location: 14q21.2.
Variant type: single nucleotide variant.
Coding change: c.2064G>C on transcript NM_020937.4 (MANE Select); coding-DNA position 2064, G replaced by C.
Protein change: p.Trp688Cys; replaces tryptophan 688 with cysteine.
Molecular consequence: missense variant.
Genome position (GRCh38, 1-based): chr14:45,170,650, G>C. VCF-style: chr14-45170650-G-C. GRCh37 (hg19) VCF-style: chr14-45639853-G-C.
Other names: c.1986G>C, p.Trp662Cys (NM_001308133.2); short protein forms W688C, W662C.
Identifiers: ClinVar variation 2815166 (VCV002815166.4), dbSNP rs1888278759, ClinGen allele CA389595991.

ClinVar aggregate classification (germline): Uncertain significance. Review status: criteria provided, multiple submitters, no conflicts (2 of 4 stars). 2 submissions from 2 submitters: Uncertain significance (2). Last evaluated 2025-08-19.

Conditions:
Fanconi anemia (FA). Also called: Fanconi's anemia. Identifiers: Orphanet 84, MedGen C0015625, MeSH D005199, MONDO:0019391.
Inborn genetic diseases. Identifiers: MedGen C0950123, MeSH D030342.

Submissions (2):

Ambry Genetics
Classification: Uncertain significance for Inborn genetic diseases. Last evaluated: 2025-08-19. Review status: criteria provided, single submitter. Criteria: Ambry Variant Classification Scheme 2023. Collection method: clinical testing. Allele origin: germline.
Comment: The p.W688C variant (also known as c.2064G>C), located in coding exon 12 of the FANCM gene, results from a G to C substitution at nucleotide position 2064. The tryptophan at codon 688 is replaced by cysteine, an amino acid with highly dissimilar properties. This amino acid position is conserved. In addition, the in silico prediction for this alteration is inconclusive. Based on the available evidence, the clinical significance of this variant remains unclear.

Labcorp Genetics (formerly Invitae), Labcorp
Classification: Uncertain significance for Fanconi anemia. Last evaluated: 2022-11-19. Review status: criteria provided, single submitter. Criteria: Invitae Variant Classification Sherloc (09022015). Collection method: clinical testing. Allele origin: germline.
Comment: This variant has not been reported in the literature in individuals affected with FANCM-related conditions. This variant is not present in population databases (gnomAD no frequency). This sequence change replaces tryptophan, which is neutral and slightly polar, with cysteine, which is neutral and slightly polar, at codon 688 of the FANCM protein (p.Trp688Cys). Algorithms developed to predict the effect of missense changes on protein structure and function are either unavailable or do not agree on the potential impact of this missense change (SIFT: "Deleterious"; PolyPhen-2: "Probably Damaging"; Align-GVGD: "Class C0"). In summary, the available evidence is currently insufficient to determine the role of this variant in disease. Therefore, it has been classified as a Variant of Uncertain Significance.